The following is an entry in ClinVar:

ClinVar aggregate classification (germline): Uncertain significance. Review status: criteria provided, multiple submitters, no conflicts (2 of 4 stars). 2 submissions from 2 submitters: Uncertain significance (2). Last evaluated 2025-07-30.

Conditions:
Gastrointestinal stromal tumor. Also called: Gastrointestinal stroma tumor; Gastrointestinal stromal tumor, somatic. Identifiers: Orphanet 44890, MedGen C0238198, MeSH D046152, MONDO:0011719, OMIM 606764, HP:0100723.
Pheochromocytoma/paraganglioma syndrome 3. Also called: SDHC-Related Hereditary Paraganglioma-Pheochromocytoma Syndrome (Paragangliomas 3); Paragangliomas 3; GLOMUS TUMORS, FAMILIAL, 3; SDHC-Related Hereditary Paraganglioma-Pheochromocytoma Syndrome. Identifiers: Orphanet 29072, MedGen C1854336, MONDO:0011544, OMIM 605373.
Hereditary cancer-predisposing syndrome. Also called: Tumor predisposition; Hereditary neoplastic syndrome; Hereditary Cancer Syndrome; Neoplastic Syndromes, Hereditary. Identifiers: Orphanet 140162, MedGen C0027672, MeSH D009386, MONDO:0015356.

Submissions (2):

Labcorp Genetics (formerly Invitae), Labcorp
Classification: Uncertain significance for Pheochromocytoma/paraganglioma syndrome 3; Gastrointestinal stromal tumor. Last evaluated: 2025-07-30. Review status: criteria provided, single submitter. Criteria: Invitae Variant Classification Sherloc (09022015). Collection method: clinical testing. Allele origin: germline.
Comment: This sequence change replaces serine, which is neutral and polar, with cysteine, which is neutral and slightly polar, at codon 162 of the SDHC protein (p.Ser162Cys). This variant is not present in population databases (gnomAD no frequency). This variant has not been reported in the literature in individuals affected with SDHC-related conditions. ClinVar contains an entry for this variant (Variation ID: 486430). An algorithm developed to predict the effect of missense changes on protein structure and function (PolyPhen-2) suggests that this variant is likely to be tolerated. In summary, the available evidence is currently insufficient to determine the role of this variant in disease. Therefore, it has been classified as a Variant of Uncertain Significance.

Ambry Genetics
Classification: Uncertain significance for Hereditary cancer-predisposing syndrome. Last evaluated: 2025-05-07. Review status: criteria provided, single submitter. Criteria: Ambry Variant Classification Scheme 2023. Collection method: clinical testing. Allele origin: germline.
Comment: The p.S162C variant (also known as c.485C>G), located in coding exon 6 of the SDHC gene, results from a C to G substitution at nucleotide position 485. The serine at codon 162 is replaced by cysteine, an amino acid with dissimilar properties. This amino acid position is well conserved in available vertebrate species. In addition, the in silico prediction for this alteration is inconclusive. Since supporting evidence is limited at this time, the clinical significance of this alteration remains unclear.

NM_003001.5(SDHC):c.485C>G (p.Ser162Cys)

Gene: SDHC (succinate dehydrogenase complex subunit C; plus strand). Cytogenetic location: 1q23.3.
Variant type: single nucleotide variant.
Coding change: c.485C>G on transcript NM_003001.5 (MANE Select); coding-DNA position 485, C replaced by G.
Protein change: p.Ser162Cys; replaces serine 162 with cysteine.
Molecular consequence: missense variant. On other transcripts: synonymous variant (3), non-coding transcript variant (1).
Genome position (GRCh38, 1-based): chr1:161,362,408, C>G. VCF-style: chr1-161362408-C-G. GRCh37 (hg19) VCF-style: chr1-161332198-C-G.
Other names: c.321C>G, p.Val107= (NM_001035511.3); c.383C>G, p.Ser128Cys (NM_001035512.3); c.326C>G, p.Ser109Cys (NM_001035513.3); c.219C>G, p.Val73= (NM_001278172.3); c.605C>G, p.Ser202Cys (NM_001407115.1); c.428C>G, p.Ser143Cys (NM_001407116.1); c.422C>G, p.Ser141Cys (NM_001407117.1); c.377C>G, p.Ser126Cys (NM_001407118.1); and 2 more; short protein forms S162C, S109C, S128C, S141C, S125C, S143C, S126C, S202C.
Identifiers: ClinVar variation 486430 (VCV000486430.13), dbSNP rs1553266504, ClinGen allele CA343457916.